The following is an entry in ClinVar:

ClinVar aggregate classification (germline): Benign/Likely benign. Review status: criteria provided, multiple submitters, no conflicts (2 of 4 stars). 4 submissions from 4 submitters: Benign (2); Likely benign (1). 1 of the submissions does not count toward it. Last evaluated 2024-06-19.

Conditions:
FECH-related disorder. Also called: FECH-related condition.
Protoporphyria, erythropoietic, 1 (EPP1). Also called: Erythropoietic Protoporphyria, Autosomal Recessive; FERROCHELATASE DEFICIENCY; HEME SYNTHETASE DEFICIENCY. Identifiers: Orphanet 79278, MedGen C4692546, MONDO:0008319, OMIM 177000.

Allele frequency attached by ClinVar (database versions not stated): 1000 Genomes Project 30x 0.00047; 1000 Genomes Project 0.00060.
gnomAD v4.1: 289 of 1,614,120 alleles (0.018%); highest among the groups gnomAD compares: South Asian, 0.27%; 5 homozygotes.

Submissions (4):

Labcorp Genetics (formerly Invitae), Labcorp
Classification: Benign. Last evaluated: 2024-06-19. Review status: criteria provided, single submitter. Criteria: Invitae Variant Classification Sherloc (09022015). Collection method: clinical testing. Allele origin: germline.

Blueprint Genetics
Classification: Likely benign. Last evaluated: 2024-06-17. Review status: criteria provided, single submitter. Criteria: ACMG Guidelines, 2015. Collection method: clinical testing. Allele origin: germline.

Illumina Laboratory Services, Illumina
Classification: Benign for Protoporphyria, erythropoietic, 1. Last evaluated: 2018-01-13. Review status: criteria provided, single submitter. Criteria: ICSL Variant Classification Criteria 13 December 2019. Collection method: clinical testing. Allele origin: germline.
Comment: This variant was observed in the ICSL laboratory as part of a predisposition screen in an ostensibly healthy population. It had not been previously curated by ICSL or reported in the Human Gene Mutation Database (HGMD: prior to June 1st, 2018), and was therefore a candidate for classification through an automated scoring system. Utilizing variant allele frequency, disease prevalence and penetrance estimates, and inheritance mode, an automated score was calculated to assess if this variant is too frequent to cause the disease. Based on the score and internal cut-off values, a variant classified as benign is not then subjected to further curation. The score for this variant resulted in a classification of benign for this disease.

PreventionGenetics, part of Exact Sciences
Classification: Likely benign for FECH-related condition. Last evaluated: 2019-06-17. Review status: no assertion criteria provided. Collection method: clinical testing. Allele origin: germline. Not counted in ClinVar's aggregate classification.
Comment: This variant is classified as likely benign based on ACMG/AMP sequence variant interpretation guidelines (Richards et al. 2015 PMID: 25741868, with internal and published modifications).

NM_000140.5(FECH):c.913-7C>T

Gene: FECH (ferrochelatase; minus strand). Cytogenetic location: 18q21.31.
Variant type: single nucleotide variant.
Coding change: c.913-7C>T on transcript NM_000140.5 (MANE Select); 7 bases into the intron before coding-DNA position 913, C replaced by T.
Molecular consequence: intron variant.
Genome position (GRCh38, 1-based): chr18:57,554,431, G>A on the plus strand (C>T on the coding strand, the complement: FECH is on the minus strand). VCF-style: chr18-57554431-G-A. GRCh37 (hg19) VCF-style: chr18-55221663-G-A.
Other names: c.814-7C>T (NM_001371094.1); c.913-7C>T (NM_001374778.1); c.931-7C>T (NM_001012515.4); c.697-7C>T (NM_001371095.1).
Identifiers: ClinVar variation 327425 (VCV000327425.15), dbSNP rs369538477, ClinGen allele CA8973043.